The following is an entry in ClinVar:

NM_020738.4(KIDINS220):c.37G>A (p.Val13Ile)

Gene: KIDINS220 (kinase D interacting substrate 220; minus strand). Cytogenetic location: 2p25.1.
Variant type: single nucleotide variant.
Coding change: c.37G>A on transcript NM_020738.4 (MANE Select); coding-DNA position 37, G replaced by A.
Protein change: p.Val13Ile; replaces valine 13 with isoleucine.
Molecular consequence: missense variant. On other transcripts: 5 prime UTR variant (1), non-coding transcript variant (2).
Genome position (GRCh38, 1-based): chr2:8,827,057, C>T on the plus strand (G>A on the coding strand, the complement: KIDINS220 is on the minus strand). VCF-style: chr2-8827057-C-T. GRCh37 (hg19) VCF-style: chr2-8967187-C-T.
Other names: c.37G>A, p.Val13Ile (NM_001348729.2, NM_001348731.2, NM_001348732.2 and 9 more transcripts); c.-261G>A (NM_001348736.2); short protein forms V13I.
Identifiers: ClinVar variation 4991321 (VCV004991321.1).

ClinVar aggregate classification (germline): Uncertain significance (1 of 4 stars; one submission).

Conditions:
KIDINS220-related disorder. Also called: KIDINS220-related condition.

gnomAD v4.1: 4 of 1,609,210 alleles (0.00025%); highest among the groups gnomAD compares: African/African-American, 0.004%; no homozygotes.

Submission:

PreventionGenetics, part of Exact Sciences
Classification: Uncertain significance for KIDINS220-related condition. Last evaluated: 2025-09-04. Review status: criteria provided, single submitter. Criteria: ACMG Guidelines, 2015. Collection method: clinical testing. Allele origin: germline.
Comment: The KIDINS220 c.37G>A variant is predicted to result in the amino acid substitution p.Val13Ile. To our knowledge, this variant has not been reported in the literature. This variant is reported in 0.0065% of alleles in individuals of African descent in gnomAD. At this time, the clinical significance of this variant is uncertain due to the absence of conclusive functional and genetic evidence.